The following is an entry in ClinVar:

ClinVar aggregate classification (germline): Uncertain significance. Review status: criteria provided, multiple submitters, no conflicts (2 of 4 stars). 2 submissions from 2 submitters: Uncertain significance (2). Last evaluated 2025-01-15.

Allele frequency attached by ClinVar (database versions not stated): TOPMed 0.00001; gnomAD exomes 0.00017; gnomAD 0.00008; 1000 Genomes Project 30x 0.00031; 1000 Genomes Project 0.00040; ExAC 0.00013.
gnomAD v4.1: 123 of 1,593,574 alleles (0.0077%); highest among the groups gnomAD compares: South Asian, 0.13%; no homozygotes.

Submissions (2):

Mayo Clinic Laboratories, Mayo Clinic
Classification: Uncertain significance. Last evaluated: 2025-01-15. Review status: criteria provided, single submitter. Criteria: ACMG Guidelines, 2015. Collection method: clinical testing. Allele origin: germline. Observed: 1 variant allele.
Comment: BS1, PP3

Labcorp Genetics (formerly Invitae), Labcorp
Classification: Uncertain significance. Last evaluated: 2022-04-11. Review status: criteria provided, single submitter. Criteria: Invitae Variant Classification Sherloc (09022015). Collection method: clinical testing. Allele origin: germline.
Comment: This sequence change replaces alanine, which is neutral and non-polar, with valine, which is neutral and non-polar, at codon 10 of the STX3 protein (p.Ala10Val). This variant is present in population databases (rs557835574, gnomAD 0.1%). This variant has not been reported in the literature in individuals affected with STX3-related conditions. Algorithms developed to predict the effect of missense changes on protein structure and function (SIFT, PolyPhen-2, Align-GVGD) all suggest that this variant is likely to be tolerated. Algorithms developed to predict the effect of sequence changes on RNA splicing suggest that this variant may create or strengthen a splice site. In summary, the available evidence is currently insufficient to determine the role of this variant in disease. Therefore, it has been classified as a Variant of Uncertain Significance.

NM_004177.5(STX3):c.29C>T (p.Ala10Val)

Gene: STX3 (syntaxin 3; plus strand). Cytogenetic location: 11q12.1.
Variant type: single nucleotide variant.
Coding change: c.29C>T on transcript NM_004177.5 (MANE Select); coding-DNA position 29, C replaced by T.
Protein change: p.Ala10Val; replaces alanine 10 with valine.
Molecular consequence: missense variant.
Genome position (GRCh38, 1-based): chr11:59,755,634, C>T. VCF-style: chr11-59755634-C-T. GRCh37 (hg19) VCF-style: chr11-59523107-C-T.
Other names: p.Ala10Val; c.29C>T, p.Ala10Val (NM_001178040.3); short protein forms A10V.
Identifiers: ClinVar variation 1494830 (VCV001494830.6), dbSNP rs557835574, ClinGen allele CA6020690.
Genomic context (GRCh38, chr11:59,755,634, plus strand): 5'-CGCTACCTGCCTCCGGGCGCCTGGGCTTCAGGATGAAGGACCGTCTGGAGCAGCTGAAGG[C>T]CGTGAGTTTCGCCGCAGGCGGGGTGCTGCCAGGAGGGGTGCTGCATGGGAGAGGGGCTTC-3'
Protein context (NP_004168.1, residues 1-20): MKDRLEQLK[Ala10Val]KQLTQDDDTD